The following is an entry in ClinVar:

NM_006766.5(KAT6A):c.3534A>T (p.Glu1178Asp)

Gene: KAT6A (lysine acetyltransferase 6A; minus strand). Cytogenetic location: 8p11.21.
Variant type: single nucleotide variant.
Coding change: c.3534A>T on transcript NM_006766.5 (MANE Select); coding-DNA position 3534, A replaced by T.
Protein change: p.Glu1178Asp; replaces glutamic acid 1178 with aspartic acid.
Molecular consequence: missense variant.
Genome position (GRCh38, 1-based): chr8:41,934,686, T>A on the plus strand (A>T on the coding strand, the complement: KAT6A is on the minus strand). VCF-style: chr8-41934686-T-A. GRCh37 (hg19) VCF-style: chr8-41792204-T-A.
Other names: short protein forms E1178D.
Identifiers: ClinVar variation 4881433 (VCV004881433.2).

ClinVar aggregate classification (germline): Uncertain significance (1 of 4 stars; one submission).

Submission:

Dasa
Classification: Uncertain significance. Last evaluated: 2025-08-07. Review status: criteria provided, single submitter. Criteria: DASA Assertion Criteria. Collection method: clinical testing. Allele origin: germline.
Comment: NM_006766.5(KAT6A):c.3534A>T (p.Glu1178Asp) is a missense variant that results in the substitution of glutamic acid with aspartic acid. This variant is absent from population databases. Computational prediction algorithms are consistent with a benign effect. The currently available literature and clinical evidence are not sufficient to establish a definitive association between this variant and the reported condition. Therefore, this variant is classified as a variant of uncertain significance.